The following continues an entry in ClinVar:

NM_000059.4(BRCA2):c.8902A>G (p.Thr2968Ala)

Gene: BRCA2. ClinVar aggregate classification (germline): Conflicting classifications of pathogenicity. Uncertain significance (9); Likely benign (2).

Submissions 8 to 12 of 12:

Women's Health and Genetics/Laboratory Corporation of America, LabCorp
Classification: Uncertain significance. Last evaluated: 2024-07-31. Review status: criteria provided, single submitter. Criteria: LabCorp Variant Classification Summary - May 2015. Collection method: clinical testing. Allele origin: germline.
Comment: Variant summary: BRCA2 c.8902A>G (p.Thr2968Ala) results in a non-conservative amino acid change in the encoded protein sequence. Four of five in-silico tools predict a benign effect of the variant on protein function. The variant allele was found at a frequency of 8e-06 in 249760 control chromosomes. The available data on variant occurrences in the general population are insufficient to allow any conclusion about variant significance. c.8902A>G has been identified in individuals with lung cancer (e.g. Heeke_2020), ovarian cancer (Peixoto_2020) and in settings of multigene panel testing among individuals with breast cancer (e.g., Tung_2015) and prostate cancer (e.g., Paulo_2018). These report(s) do not provide unequivocal conclusions about association of the variant with Hereditary Breast And Ovarian Cancer Syndrome. To our knowledge, no experimental evidence demonstrating an impact on protein function has been reported. The following publications have been ascertained in the context of this evaluation (PMID: 16683254, 25348012, 26976419, 29659569, 32377563, 32850417, 32066459). ClinVar contains an entry for this variant (Variation ID: 141798). Based on the evidence outlined above, the variant was classified as uncertain significance.

GeneDx
Classification: Uncertain significance. Last evaluated: 2022-12-16. Review status: criteria provided, single submitter. Criteria: GeneDx Variant Classification Process June 2021. Collection method: clinical testing. Allele origin: germline. Affected: yes.
Comment: In silico analysis supports that this missense variant does not alter protein structure/function; Also known as 9130A>G; This variant is associated with the following publications: (PMID: 25348012, 26976419, 16683254, 29659569, 12228710, 29884841, 33471991, 32850417, 32377563)

Laboratorio de Genetica e Diagnostico Molecular, Hospital Israelita Albert Einstein
Classification: Uncertain significance for Breast-ovarian cancer, familial, susceptibility to, 2. Last evaluated: 2021-11-16. Review status: criteria provided, single submitter. Criteria: ACMG Guidelines, 2015. Collection method: clinical testing. Allele origin: germline. Affected: yes.
Comment: ACMG classification criteria: PM2 moderate, BP4 supporting

Sema4
Classification: Uncertain significance for Hereditary cancer-predisposing syndrome. Last evaluated: 2021-10-27. Review status: criteria provided, single submitter. Criteria: Sema4 Curation Guidelines. Collection method: curation. Allele origin: germline.
Comment: The BRCA2 c.8902A>G (p.T2968A) variant has been reported in individuals with breast cancer or prostate cancer (PMIDs 26976419, 29659569). It is reported in a large breast cancer case control study in 1/60,466 women with breast cancer and 2/53,461 controls (PMID 33471991). This variant was observed in 2/35226 chromosomes in the Latino population, according to the Genome Aggregation Database (PMID: 32461654). This variant has been reported in ClinVar (Variation ID 141798). Functional studies have not been performed, and in silico predictions of the variant's effect on protein function are inconclusive. Based on the current evidence available, this variant is interpreted as a variant of uncertain significance.

Counsyl
Classification: Uncertain significance for Breast-ovarian cancer, familial, susceptibility to, 2. Last evaluated: 2015-12-10. Review status: no assertion criteria provided. Collection method: clinical testing. Allele origin: unknown. Not counted in ClinVar's aggregate classification.

Literature cited by the submitters: PubMed 26976419 (cited by 6 submitters); PubMed 32850417 (cited by 6 submitters); PubMed 35534704 (cited by Labcorp Genetics (formerly Invitae), Labcorp and Quest Diagnostics Nichols Institute San Juan Capistrano); PubMed 29659569 (cited by 4 submitters); PubMed 31853058 (cited by Color Diagnostics, LLC DBA Color Health); PubMed 33471991 (cited by 4 submitters); PubMed 39779848 (cited by Color Diagnostics, LLC DBA Color Health); PubMed 25348012 (cited by 4 submitters); PubMed 38874686 (cited by Quest Diagnostics Nichols Institute San Juan Capistrano); PubMed 16683254 (cited by Ambry Genetics and Women's Health and Genetics/Laboratory Corporation of America, LabCorp); PubMed 32377563 (cited by Women's Health and Genetics/Laboratory Corporation of America, LabCorp); PubMed 32066459 (cited by Women's Health and Genetics/Laboratory Corporation of America, LabCorp).